The following is an entry in ClinVar:

NM_000188.3(HK1):c.976C>G (p.Pro326Ala)

Gene: HK1 (hexokinase 1; plus strand). Cytogenetic location: 10q22.1.
Variant type: single nucleotide variant.
Coding change: c.976C>G on transcript NM_000188.3 (MANE Select); coding-DNA position 976, C replaced by G.
Protein change: p.Pro326Ala; replaces proline 326 with alanine.
Molecular consequence: missense variant.
Genome position (GRCh38, 1-based): chr10:69,377,034, C>G. VCF-style: chr10-69377034-C-G. GRCh37 (hg19) VCF-style: chr10-71136790-C-G.
Other names: c.988C>G, p.Pro330Ala (NM_001322364.2, NM_001358263.1, NM_033497.3 and 1 more transcripts); c.1081C>G, p.Pro361Ala (NM_001322365.2); c.892C>G, p.Pro298Ala (NM_001322366.1); c.880C>G, p.Pro294Ala (NM_001322367.1); c.973C>G, p.Pro325Ala (NM_033496.3); c.940C>G, p.Pro314Ala (NM_033500.2); short protein forms P330A, P294A, P298A, P314A, P325A, P326A, P361A.
Identifiers: ClinVar variation 2011262 (VCV002011262.4), dbSNP rs1839149374, ClinGen allele CA376916242.
Genomic context (GRCh38, chr10:69,377,034, plus strand): 5'-GTTCGACTGATCCTAGTCAAGATGGCCAAGGAGGGCCTCTTATTTGAAGGGCGGATCACC[C>G]CGGAGCTGCTCACCCGAGGGAAGTTTAACACCAGTGATGTGTCAGCCATCGAAAAGTAGG-3'
Protein context (NP_000179.2, residues 316-336): EGLLFEGRIT[Pro326Ala]ELLTRGKFNT

ClinVar aggregate classification (germline): Uncertain significance (1 of 4 stars; one submission).

gnomAD v4.1: 1 of 1,614,156 alleles (0.000062%); highest among the groups gnomAD compares: Non-Finnish European, 0.000085%; no homozygotes.

Submission:

Labcorp Genetics (formerly Invitae), Labcorp
Classification: Uncertain significance. Last evaluated: 2022-06-27. Review status: criteria provided, single submitter. Criteria: Invitae Variant Classification Sherloc (09022015). Collection method: clinical testing. Allele origin: germline.
Comment: This sequence change replaces proline, which is neutral and non-polar, with alanine, which is neutral and non-polar, at codon 326 of the HK1 protein (p.Pro326Ala). In summary, the available evidence is currently insufficient to determine the role of this variant in disease. Therefore, it has been classified as a Variant of Uncertain Significance. Algorithms developed to predict the effect of missense changes on protein structure and function are either unavailable or do not agree on the potential impact of this missense change (SIFT: "Deleterious"; PolyPhen-2: "Benign"; Align-GVGD: "Class C0"). This variant has not been reported in the literature in individuals affected with HK1-related conditions. This variant is not present in population databases (gnomAD no frequency).